The following is an entry in ClinVar:

ClinVar aggregate classification (germline): Uncertain significance (1 of 4 stars; one submission).

Conditions:
Progressive familial heart block type IB (PFHB1B). Identifiers: Orphanet 871, MedGen C1970298, MONDO:0011474, OMIM 604559.

gnomAD v4.1: 5 of 1,613,842 alleles (0.00031%); highest among the groups gnomAD compares: African/African-American, 0.0067%; no homozygotes.

Submission:

Labcorp Genetics (formerly Invitae), Labcorp
Classification: Uncertain significance for Progressive familial heart block type IB. Last evaluated: 2025-01-28. Review status: criteria provided, single submitter. Criteria: Invitae Variant Classification Sherloc (09022015). Collection method: clinical testing. Allele origin: germline.
Comment: This sequence change replaces serine, which is neutral and polar, with leucine, which is neutral and non-polar, at codon 391 of the TRPM4 protein (p.Ser391Leu). This variant is present in population databases (rs750673849, gnomAD 0.01%). This variant has not been reported in the literature in individuals affected with TRPM4-related conditions. An algorithm developed to predict the effect of missense changes on protein structure and function (PolyPhen-2) suggests that this variant is likely to be tolerated. In summary, the available evidence is currently insufficient to determine the role of this variant in disease. Therefore, it has been classified as a Variant of Uncertain Significance.

NM_017636.4(TRPM4):c.1172C>T (p.Ser391Leu)

Gene: TRPM4 (transient receptor potential cation channel subfamily M member 4; plus strand). Cytogenetic location: 19q13.33.
Variant type: single nucleotide variant.
Coding change: c.1172C>T on transcript NM_017636.4 (MANE Select); coding-DNA position 1172, C replaced by T.
Protein change: p.Ser391Leu; replaces serine 391 with leucine.
Molecular consequence: missense variant. On other transcripts: intron variant (1), 5 prime UTR variant (1).
Genome position (GRCh38, 1-based): chr19:49,181,370, C>T. VCF-style: chr19-49181370-C-T. GRCh37 (hg19) VCF-style: chr19-49684627-C-T.
Other names: c.202-1208C>T (NM_001321285.2); c.1172C>T, p.Ser391Leu (NM_001195227.2); c.827C>T, p.Ser276Leu (NM_001321281.2); c.-382C>T (NM_001321282.2); c.650C>T, p.Ser217Leu (NM_001321283.2); short protein forms S217L, S391L, S276L.
Identifiers: ClinVar variation 3712668 (VCV003712668.2).